The following is an entry in ClinVar:

NM_006231.4(POLE):c.398C>T (p.Thr133Ile)

Gene: POLE (DNA polymerase epsilon, catalytic subunit; minus strand). Cytogenetic location: 12q24.33.
Variant type: single nucleotide variant.
Coding change: c.398C>T on transcript NM_006231.4 (MANE Select); coding-DNA position 398, C replaced by T.
Protein change: p.Thr133Ile; replaces threonine 133 with isoleucine.
Molecular consequence: missense variant.
Genome position (GRCh38, 1-based): chr12:132,679,979, G>A on the plus strand (C>T on the coding strand, the complement: POLE is on the minus strand). VCF-style: chr12-132679979-G-A. GRCh37 (hg19) VCF-style: chr12-133256565-G-A.
Other names: short protein forms T133I.
Identifiers: ClinVar variation 1404820 (VCV001404820.9), dbSNP rs2043133987, ClinGen allele CA387368046.

ClinVar aggregate classification (germline): Conflicting classifications of pathogenicity. Review status: criteria provided, conflicting classifications (1 of 4 stars). 2 submissions from 2 submitters: Uncertain significance (1); Likely benign (1). Last evaluated 2024-12-23.

Conditions:
Hereditary cancer-predisposing syndrome. Also called: Hereditary neoplastic syndrome; Hereditary Cancer Syndrome; Neoplastic Syndromes, Hereditary; Tumor predisposition. Identifiers: Orphanet 140162, MedGen C0027672, MeSH D009386, MONDO:0015356.

Submissions (2):

Ambry Genetics
Classification: Likely benign for Hereditary cancer-predisposing syndrome. Last evaluated: 2024-12-23. Review status: criteria provided, single submitter. Criteria: Ambry Variant Classification Scheme 2023. Collection method: clinical testing. Allele origin: germline.

Labcorp Genetics (formerly Invitae), Labcorp
Classification: Uncertain significance. Last evaluated: 2023-11-02. Review status: criteria provided, single submitter. Criteria: Invitae Variant Classification Sherloc (09022015). Collection method: clinical testing. Allele origin: germline.
Comment: This sequence change replaces threonine, which is neutral and polar, with isoleucine, which is neutral and non-polar, at codon 133 of the POLE protein (p.Thr133Ile). This variant is not present in population databases (gnomAD no frequency). This variant has not been reported in the literature in individuals affected with POLE-related conditions. ClinVar contains an entry for this variant (Variation ID: 1404820). Advanced modeling of protein sequence and biophysical properties (such as structural, functional, and spatial information, amino acid conservation, physicochemical variation, residue mobility, and thermodynamic stability) performed at Invitae indicates that this missense variant is not expected to disrupt POLE protein function with a negative predictive value of 80%. In summary, the available evidence is currently insufficient to determine the role of this variant in disease. Therefore, it has been classified as a Variant of Uncertain Significance.